The following is an entry in ClinVar:

ClinVar aggregate classification (germline): Uncertain significance (1 of 4 stars; one submission).

Submission:

Ambry Genetics
Classification: Uncertain significance. Last evaluated: 2025-03-06. Review status: criteria provided, single submitter. Criteria: Ambry Variant Classification Scheme 2023. Collection method: clinical testing. Allele origin: germline.
Comment: The p.K553R variant (also known as c.1658A>G), located in coding exon 17 of the SRP72 gene, results from an A to G substitution at nucleotide position 1658. The lysine at codon 553 is replaced by arginine, an amino acid with highly similar properties. This amino acid position is conserved. In addition, the in silico prediction for this alteration is inconclusive. Based on the available evidence, the clinical significance of this variant remains unclear.

NM_006947.4(SRP72):c.1658A>G (p.Lys553Arg)

Gene: SRP72 (signal recognition particle 72; plus strand). Cytogenetic location: 4q12.
Variant type: single nucleotide variant.
Coding change: c.1658A>G on transcript NM_006947.4 (MANE Select); coding-DNA position 1658, A replaced by G.
Protein change: p.Lys553Arg; replaces lysine 553 with arginine.
Molecular consequence: missense variant. On other transcripts: non-coding transcript variant (1).
Genome position (GRCh38, 1-based): chr4:56,495,374, A>G. VCF-style: chr4-56495374-A-G. GRCh37 (hg19) VCF-style: chr4-57361540-A-G.
Other names: c.1475A>G, p.Lys492Arg (NM_001267722.2); short protein forms K492R, K553R.
Identifiers: ClinVar variation 3801512 (VCV003801512.1).